The following is an entry in ClinVar:

ClinVar aggregate classification (germline): Uncertain significance (1 of 4 stars; one submission).

Submission:

GeneDx
Classification: Uncertain significance. Last evaluated: 2017-05-17. Review status: criteria provided, single submitter. Criteria: GeneDx Variant Classification (06012015). Collection method: clinical testing. Allele origin: germline. Affected: yes.
Comment: The R747K variant has not been published as a pathogenic variant, nor has it been reported as a benign variant to our knowledge. The R747K variant is not observed in large population cohorts (Lek et al., 2016; 1000 Genomes Consortium et al., 2015; Exome Variant Server). This variant is a conservative amino acid substitution, which is not likely to impact secondary protein structure as these residues share similar properties. However, this substitution occurs at a position that is conserved across species, and in silico analysis is inconsistent in its predictions as to whether or not the variant is damaging to the protein structure/function.

NM_003966.3(SEMA5A):c.2240G>A (p.Arg747Lys)

Gene: SEMA5A (semaphorin 5A; minus strand). Cytogenetic location: 5p15.31.
Variant type: single nucleotide variant.
Coding change: c.2240G>A on transcript NM_003966.3 (MANE Select); coding-DNA position 2240, G replaced by A.
Protein change: p.Arg747Lys; replaces arginine 747 with lysine.
Molecular consequence: missense variant.
Genome position (GRCh38, 1-based): chr5:9,066,480, C>T on the plus strand (G>A on the coding strand, the complement: SEMA5A is on the minus strand). VCF-style: chr5-9066480-C-T. GRCh37 (hg19) VCF-style: chr5-9066592-C-T.
Other names: short protein forms R747K.
Identifiers: ClinVar variation 430028 (VCV000430028.2), dbSNP rs1131691745, ClinGen allele CA359169045.